The following is an entry in ClinVar:

ClinVar aggregate classification (germline): Uncertain significance. Review status: criteria provided, multiple submitters, no conflicts (2 of 4 stars). 2 submissions from 2 submitters: Uncertain significance (2). Last evaluated 2021-09-29.

Conditions:
Congenital muscular dystrophy due to integrin alpha-7 deficiency. Also called: MYOPATHY, CONGENITAL, DUE TO INTEGRIN ALPHA-7 DEFICIENCY; Congenital muscular dystrophy with integrin alpha-7 deficiency; Muscular dystrophy, congenital, due to ITGA7 deficiency. Identifiers: Orphanet 34520, MedGen C2750786, MONDO:0013177, OMIM 613204.

Allele frequency attached by ClinVar (database versions not stated): gnomAD 0.00001; gnomAD exomes 0.00001 and below 0.00001; TOPMed 0.00001.
gnomAD v4.1: 9 of 1,614,062 alleles (0.00056%); highest among the groups gnomAD compares: Non-Finnish European, 0.00076%; no homozygotes.

Submissions (2):

Labcorp Genetics (formerly Invitae), Labcorp
Classification: Uncertain significance for Congenital muscular dystrophy due to integrin alpha-7 deficiency. Last evaluated: 2021-09-29. Review status: criteria provided, single submitter. Criteria: Invitae Variant Classification Sherloc (09022015). Collection method: clinical testing. Allele origin: germline.
Comment: This sequence change replaces valine with leucine at codon 1022 of the ITGA7 protein (p.Val1022Leu). The valine residue is moderately conserved and there is a small physicochemical difference between valine and leucine. This variant is not present in population databases (ExAC no frequency). This variant has not been reported in the literature in individuals affected with ITGA7-related conditions. Algorithms developed to predict the effect of missense changes on protein structure and function (SIFT, PolyPhen-2, Align-GVGD) all suggest that this variant is likely to be tolerated. In summary, the available evidence is currently insufficient to determine the role of this variant in disease. Therefore, it has been classified as a Variant of Uncertain Significance.

Revvity Omics, Revvity
Classification: Uncertain significance for Congenital muscular dystrophy due to integrin alpha-7 deficiency. Last evaluated: 2020-11-06. Review status: criteria provided, single submitter. Criteria: ACMG Guidelines, 2015. Collection method: clinical testing. Allele origin: germline.

NM_002206.3(ITGA7):c.3064G>C (p.Val1022Leu)

Gene: ITGA7 (integrin subunit alpha 7; minus strand). Cytogenetic location: 12q13.2.
Variant type: single nucleotide variant.
Coding change: c.3064G>C on transcript NM_002206.3 (MANE Select); coding-DNA position 3064, G replaced by C.
Protein change: p.Val1022Leu; replaces valine 1022 with leucine.
Molecular consequence: missense variant.
Genome position (GRCh38, 1-based): chr12:55,688,090, C>G on the plus strand (G>C on the coding strand, the complement: ITGA7 is on the minus strand). VCF-style: chr12-55688090-C-G. GRCh37 (hg19) VCF-style: chr12-56081874-C-G.
Other names: c.2944G>C, p.Val982Leu (NM_001414032.1); c.3076G>C, p.Val1026Leu (NM_001144996.2); c.2785G>C, p.Val929Leu (NM_001144997.2); c.2737G>C, p.Val913Leu (NM_001367993.1); c.1720G>C, p.Val574Leu (NM_001367994.1); c.3046G>C, p.Val1016Leu (NM_001374465.1); c.3196G>C, p.Val1066Leu (NM_001410977.1); c.3058G>C, p.Val1020Leu (NM_001414029.1); and 5 more; short protein forms V1022L, V929L, V574L, V913L, V1026L, V1016L, V1066L, V909L.
Identifiers: ClinVar variation 576887 (VCV000576887.6), dbSNP rs1292181810, ClinGen allele CA385180682.